The following is an entry in ClinVar:

ClinVar aggregate classification (germline): Pathogenic (1 of 4 stars; one submission).

Conditions:
Eichsfeld type congenital muscular dystrophy (CMYO3). Also called: Rigid spine muscular dystrophy 1; MYOPATHY, SEPN1-RELATED; SELENON-related myopathy; Congenital myopathy 3 with rigid spine. Identifiers: MedGen C0410180, MONDO:0100100, OMIM 602771.

Submission:

Labcorp Genetics (formerly Invitae), Labcorp
Classification: Pathogenic for Eichsfeld type congenital muscular dystrophy. Last evaluated: 2022-06-27. Review status: criteria provided, single submitter. Criteria: Invitae Variant Classification Sherloc (09022015). Collection method: clinical testing. Allele origin: germline.
Comment: For these reasons, this variant has been classified as Pathogenic. This variant disrupts the p.Met1 amino acid residue in SELENON. Other variant(s) that disrupt this residue have been determined to be pathogenic (PMID: 12192640, 23394784). This suggests that this residue is clinically significant, and that variants that disrupt this residue are likely to be disease-causing. ClinVar contains an entry for this variant (Variation ID: 530813). Disruption of the initiator codon has been observed in individual(s) with congenital myopathy (Invitae). In at least one individual the data is consistent with being in trans (on the opposite chromosome) from a pathogenic variant. The frequency data for this variant in the population databases is considered unreliable, as metrics indicate insufficient coverage at this position in the gnomAD database. This sequence change affects the initiator methionine of the SELENON mRNA. The next in-frame methionine is located at codon 85.

Literature cited by the submitters: PubMed 12192640; PubMed 23394784.

NM_206926.2(SELENON):c.2T>C (p.Met1Thr)

Gene: SELENON (selenoprotein N; plus strand). Cytogenetic location: 1p36.11.
Variant type: single nucleotide variant.
Coding change: c.2T>C on transcript NM_206926.2 (MANE Select); coding-DNA position 2, T replaced by C.
Protein change: p.Met1Thr; changes the start codon (methionine 1).
Molecular consequence: missense variant, initiator codon variant.
Genome position (GRCh38, 1-based): chr1:25,800,232, T>C. VCF-style: chr1-25800232-T-C. GRCh37 (hg19) VCF-style: chr1-26126723-T-C.
Other names: c.2T>C, p.Met1Thr (NM_020451.3); short protein forms M1T.
Identifiers: ClinVar variation 530813 (VCV000530813.10), dbSNP rs1174570887, ClinGen allele CA339105610.